The following is an entry in ClinVar:

NM_000103.4(CYP19A1):c.1303C>T (p.Arg435Cys)

Genes: PIRC66 (piwi-interacting RNA cluster 66; plus strand), CYP19A1 (cytochrome P450 family 19 subfamily A member 1; minus strand), MIR4713HG (MIR4713 host gene; plus strand). Cytogenetic location: 15q21.2.
Variant type: single nucleotide variant.
Coding change: c.1303C>T on transcript NM_000103.4 (MANE Select); coding-DNA position 1303, C replaced by T.
Protein change: p.Arg435Cys; replaces arginine 435 with cysteine.
Molecular consequence: missense variant.
Genome position (GRCh38, 1-based): chr15:51,211,017, G>A on the plus strand (C>T on the coding strand, the complement: CYP19A1 is on the minus strand). VCF-style: chr15-51211017-G-A. GRCh37 (hg19) VCF-style: chr15-51503214-G-A.
Other names: c.1303C>T, p.Arg435Cys (NM_031226.3, NM_001347248.1, NM_001347249.2 and 7 more transcripts); short protein forms R435C.
Identifiers: ClinVar variation 17815 (VCV000017815.11), dbSNP rs121434534, ClinGen allele CA127454.

ClinVar aggregate classification (germline): Pathogenic. Review status: criteria provided, multiple submitters, no conflicts (2 of 4 stars). 3 submissions from 3 submitters: Pathogenic (2). 1 of the submissions does not count toward it. Last evaluated 2025-10-29.

Conditions:
Aromatase deficiency. Also called: PSEUDOHERMAPHRODITISM, FEMALE, DUE TO PLACENTAL AROMATASE DEFICIENCY; Increased aromatase activity. Identifiers: Orphanet 91, MedGen C1960539, MONDO:0013301, OMIM 613546.

Allele frequency attached by ClinVar (database versions not stated): ExAC 0.00001; gnomAD exomes 0.00001; TOPMed 0.00001; gnomAD 0.00003.
gnomAD v4.1: 12 of 1,588,186 alleles (0.00076%); highest among the groups gnomAD compares: Admixed American, 0.0017%; no homozygotes.

Submissions (3):

Natera, Inc.
Classification: Pathogenic for Aromatase deficiency. Last evaluated: 2025-10-29. Review status: criteria provided, single submitter. Criteria: Natera Variant Classification Schema (03/2026). Collection method: clinical testing. Allele origin: germline.
Comment: The c.1303C>T variant in CYP19A1 is a missense variant predicted to cause substitution of arginine to cysteine at amino acid 435. This variant is rare in the general population with a frequency below the threshold expected for the associated phenotype(s). This variant has been observed in one or more individuals affected with the associated recessive disease, as either homozygous or compound heterozygous with a second variant (PMID: 17164303, 23329769, 8265607). Functional studies show that this variant may disrupt protein function (PMID: 8200927). A different variant at the same position has been determined to be Pathogenic or Likely Pathogenic. Computational prediction algorithms indicate this variant is likely to affect gene or protein function. Given the available evidence, this variant is classified as Pathogenic.

Labcorp Genetics (formerly Invitae), Labcorp
Classification: Pathogenic. Last evaluated: 2024-02-03. Review status: criteria provided, single submitter. Criteria: Invitae Variant Classification Sherloc (09022015). Collection method: clinical testing. Allele origin: germline.
Comment: This sequence change replaces arginine, which is basic and polar, with cysteine, which is neutral and slightly polar, at codon 435 of the CYP19A1 protein (p.Arg435Cys). This variant is present in population databases (rs121434534, gnomAD 0.006%). This missense change has been observed in individuals with aromatase deficiency (PMID: 8265607, 17164303, 23329769, 27256151). ClinVar contains an entry for this variant (Variation ID: 17815). Advanced modeling of protein sequence and biophysical properties (such as structural, functional, and spatial information, amino acid conservation, physicochemical variation, residue mobility, and thermodynamic stability) performed at Invitae indicates that this missense variant is expected to disrupt CYP19A1 protein function with a positive predictive value of 80%. Experimental studies have shown that this missense change affects CYP19A1 function (PMID: 8265607, 17164303). For these reasons, this variant has been classified as Pathogenic.

OMIM
Classification: Pathogenic for AROMATASE DEFICIENCY. Last evaluated: 1993-12-15. Review status: no assertion criteria provided. Collection method: literature only. Allele origin: germline. Not counted in ClinVar's aggregate classification.

Literature cited by the submitters: PubMed 17164303 (cited by Natera, Inc. and Labcorp Genetics (formerly Invitae), Labcorp); PubMed 23329769 (cited by Natera, Inc. and Labcorp Genetics (formerly Invitae), Labcorp); PubMed 8265607 (cited by 3 submitters); PubMed 8200927 (cited by Natera, Inc.); PubMed 27256151 (cited by Labcorp Genetics (formerly Invitae), Labcorp).